The following is an entry in ClinVar:

NM_015910.7(WDPCP):c.301C>T (p.Arg101Ter)

Gene: WDPCP (WD repeat containing planar cell polarity effector; minus strand). Cytogenetic location: 2p15.
Variant type: single nucleotide variant.
Coding change: c.301C>T on transcript NM_015910.7 (MANE Select); coding-DNA position 301, C replaced by T.
Protein change: p.Arg101Ter; replaces arginine 101 with a stop codon.
Molecular consequence: nonsense. On other transcripts: non-coding transcript variant (2).
Genome position (GRCh38, 1-based): chr2:63,484,940, G>A on the plus strand (C>T on the coding strand, the complement: WDPCP is on the minus strand). VCF-style: chr2-63484940-G-A. GRCh37 (hg19) VCF-style: chr2-63712074-G-A.
Other names: c.229C>T, p.Arg77Ter (NM_001354044.2); c.301C>T, p.Arg101Ter (NM_001354045.2); c.301C>T (NM_015910.5); short protein forms R77*, R101*.
Identifiers: ClinVar variation 1452795 (VCV001452795.8), dbSNP rs772536466, ClinGen allele CA1682531.

ClinVar aggregate classification (germline): Pathogenic/Likely pathogenic. Review status: criteria provided, multiple submitters, no conflicts (2 of 4 stars). 2 submissions from 2 submitters: Pathogenic (1); Likely pathogenic (1). Last evaluated 2025-04-19.

Conditions:
WDPCP-related disorder. Also called: WDPCP-related condition.
Bardet-Biedl syndrome (BBS). Identifiers: Orphanet 110, MedGen C0752166, MONDO:0015229.

Allele frequency attached by ClinVar (database versions not stated): gnomAD 0.00001; gnomAD exomes 0.00001; TOPMed 0.00001.
gnomAD v4.1: 15 of 1,612,388 alleles (0.00093%); highest among the groups gnomAD compares: Middle Eastern, 0.016%; no homozygotes.

Submissions (2):

PreventionGenetics, part of Exact Sciences
Classification: Likely pathogenic for WDPCP-related condition. Last evaluated: 2025-04-19. Review status: criteria provided, single submitter. Criteria: ACMG Guidelines, 2015. Collection method: clinical testing. Allele origin: germline.
Comment: The WDPCP c.301C>T variant is predicted to result in premature protein termination (p.Arg101*). To our knowledge, this variant has not been reported in the literature in individuals with WDPCP-related disorders. This variant is reported in 0.0051% of alleles in individuals of East Asian descent in gnomAD. Nonsense variants in WDPCP are expected to be pathogenic. This variant is interpreted as likely pathogenic.

Labcorp Genetics (formerly Invitae), Labcorp
Classification: Pathogenic for Bardet-Biedl syndrome. Last evaluated: 2024-04-30. Review status: criteria provided, single submitter. Criteria: Invitae Variant Classification Sherloc (09022015). Collection method: clinical testing. Allele origin: germline.
Comment: This sequence change creates a premature translational stop signal (p.Arg101*) in the WDPCP gene. It is expected to result in an absent or disrupted protein product. Loss-of-function variants in WDPCP are known to be pathogenic (PMID: 20671153, 25427950, 27158779). This variant is present in population databases (rs772536466, gnomAD 0.005%). This variant has not been reported in the literature in individuals affected with WDPCP-related conditions. ClinVar contains an entry for this variant (Variation ID: 1452795). For these reasons, this variant has been classified as Pathogenic.

Literature cited by the submitters: PubMed 20671153 (cited by Labcorp Genetics (formerly Invitae), Labcorp); PubMed 25427950 (cited by Labcorp Genetics (formerly Invitae), Labcorp); PubMed 27158779 (cited by Labcorp Genetics (formerly Invitae), Labcorp).